The following is an entry in ClinVar:

ClinVar aggregate classification (germline): Uncertain significance (1 of 4 stars; one submission).

Conditions:
SEMA3F-related disorder. Also called: SEMA3F-related condition.

Submission:

PreventionGenetics, part of Exact Sciences
Classification: Uncertain significance for SEMA3F-related condition. Last evaluated: 2025-01-31. Review status: criteria provided, single submitter. Criteria: ACMG Guidelines, 2015. Collection method: clinical testing. Allele origin: germline.
Comment: The SEMA3F c.199G>C variant is predicted to result in the amino acid substitution p.Asp67His. To our knowledge, this variant has not been reported in the literature or in a large population database (gnomAD), indicating this variant is rare. At this time, the clinical significance of this variant is uncertain due to the absence of conclusive functional and genetic evidence.

NM_004186.5(SEMA3F):c.199G>C (p.Asp67His)

Gene: SEMA3F (semaphorin 3F; plus strand). Cytogenetic location: 3p21.31.
Variant type: single nucleotide variant.
Coding change: c.199G>C on transcript NM_004186.5 (MANE Select); coding-DNA position 199, G replaced by C.
Protein change: p.Asp67His; replaces aspartic acid 67 with histidine.
Molecular consequence: missense variant. On other transcripts: 5 prime UTR variant (1).
Genome position (GRCh38, 1-based): chr3:50,173,879, G>C. VCF-style: chr3-50173879-G-C. GRCh37 (hg19) VCF-style: chr3-50211312-G-C.
Other names: c.-6G>C (NM_001318798.2); c.199G>C, p.Asp67His (NM_001318800.2); short protein forms D67H.
Identifiers: ClinVar variation 5001193 (VCV005001193.1).